The following is an entry in ClinVar:

ClinVar aggregate classification (germline): Uncertain significance. Review status: criteria provided, multiple submitters, no conflicts (2 of 4 stars). 2 submissions from 2 submitters: Uncertain significance (2). Last evaluated 2024-06-11.

Conditions:
Inborn genetic diseases. Identifiers: MedGen C0950123, MeSH D030342.

Allele frequency attached by ClinVar (database versions not stated): TOPMed below 0.00001.
gnomAD v4.1: 27 of 1,614,168 alleles (0.0017%); highest among the groups gnomAD compares: Non-Finnish European, 0.002%; no homozygotes.

Submissions (2):

Labcorp Genetics (formerly Invitae), Labcorp
Classification: Uncertain significance. Last evaluated: 2024-06-11. Review status: criteria provided, single submitter. Criteria: Invitae Variant Classification Sherloc (09022015). Collection method: clinical testing. Allele origin: germline.
Comment: This sequence change replaces isoleucine, which is neutral and non-polar, with valine, which is neutral and non-polar, at codon 410 of the ANXA11 protein (p.Ile410Val). This variant is present in population databases (no rsID available, gnomAD 0.002%). This variant has not been reported in the literature in individuals affected with ANXA11-related conditions. ClinVar contains an entry for this variant (Variation ID: 2224566). An algorithm developed to predict the effect of missense changes on protein structure and function (PolyPhen-2) suggests that this variant is likely to be disruptive. In summary, the available evidence is currently insufficient to determine the role of this variant in disease. Therefore, it has been classified as a Variant of Uncertain Significance.

Ambry Genetics
Classification: Uncertain significance for Inborn genetic diseases. Last evaluated: 2021-12-13. Review status: criteria provided, single submitter. Criteria: Ambry Variant Classification Scheme 2023. Collection method: clinical testing. Allele origin: germline.

NM_145868.2(ANXA11):c.1228A>G (p.Ile410Val)

Genes: ANXA11 (annexin A11; minus strand), LOC126860977 (CDK7 strongly-dependent group 2 enhancer GRCh37_chr10:81917938-81919137; plus strand). Cytogenetic location: 10q22.3.
Variant type: single nucleotide variant.
Coding change: c.1228A>G on transcript NM_145868.2 (MANE Select); coding-DNA position 1228, A replaced by G.
Protein change: p.Ile410Val; replaces isoleucine 410 with valine.
Molecular consequence: missense variant.
Genome position (GRCh38, 1-based): chr10:80,159,148, T>C on the plus strand (A>G on the coding strand, the complement: ANXA11 is on the minus strand). VCF-style: chr10-80159148-T-C. GRCh37 (hg19) VCF-style: chr10-81918904-T-C.
Other names: c.1228A>G, p.Ile410Val (NM_001157.3, NM_001278407.2, NM_001278408.2 and 1 more transcripts); c.1129A>G, p.Ile377Val (NM_001278409.2); short protein forms I410V, I377V.
Identifiers: ClinVar variation 2224566 (VCV002224566.4), dbSNP rs753071285, ClinGen allele CA377365161.